The following is an entry in ClinVar:

ClinVar aggregate classification (germline): Uncertain significance. Review status: criteria provided, multiple submitters, no conflicts (2 of 4 stars). 3 submissions from 3 submitters: Uncertain significance (3). Last evaluated 2025-08-29.

Conditions:
Charcot-Marie-Tooth disease type 4A. Also called: Charcot-Marie-Tooth disease, demyelinating, autosomal recessive, type 4a. Identifiers: Orphanet 99948, MedGen C1859198, MONDO:0008961, OMIM 214400.

Allele frequency attached by ClinVar (database versions not stated): gnomAD exomes below 0.00001 and 0.00001; TOPMed below 0.00001; ExAC 0.00001; gnomAD 0.00002.

Submissions (3):

Labcorp Genetics (formerly Invitae), Labcorp
Classification: Uncertain significance for Charcot-Marie-Tooth disease type 4A. Last evaluated: 2025-08-29. Review status: criteria provided, single submitter. Criteria: Invitae Variant Classification Sherloc (09022015). Collection method: clinical testing. Allele origin: germline.
Comment: This sequence change replaces leucine, which is neutral and non-polar, with proline, which is neutral and non-polar, at codon 261 of the GDAP1 protein (p.Leu261Pro). This variant is present in population databases (rs745398081, gnomAD 0.003%). This variant has not been reported in the literature in individuals affected with GDAP1-related conditions. ClinVar contains an entry for this variant (Variation ID: 624334). Invitae Evidence Modeling of protein sequence and biophysical properties (such as structural, functional, and spatial information, amino acid conservation, physicochemical variation, residue mobility, and thermodynamic stability) indicates that this missense variant is expected to disrupt GDAP1 protein function with a positive predictive value of 80%. In summary, the available evidence is currently insufficient to determine the role of this variant in disease. Therefore, it has been classified as a Variant of Uncertain Significance.

GeneDx
Classification: Uncertain significance. Last evaluated: 2023-11-13. Review status: criteria provided, single submitter. Criteria: GeneDx Variant Classification Process June 2021. Collection method: clinical testing. Allele origin: germline. Affected: yes.
Comment: Not observed at significant frequency in large population cohorts (gnomAD); In silico analysis supports that this missense variant has a deleterious effect on protein structure/function; Has not been previously published as pathogenic or benign to our knowledge; This variant is associated with the following publications: (PMID: 20685671, 20849849, 23628762)

CeGaT Center for Human Genetics Tuebingen
Classification: Uncertain significance. Last evaluated: 2018-07-01. Review status: criteria provided, single submitter. Criteria: CeGaT Center For Human Genetics Tuebingen Variant Classification Criteria Version 2. Collection method: clinical testing. Allele origin: germline. Affected: yes. Observed: 1 variant allele.

NM_018972.4(GDAP1):c.782T>C (p.Leu261Pro)

Gene: GDAP1 (ganglioside induced differentiation associated protein 1; plus strand). Cytogenetic location: 8q21.11.
Variant type: single nucleotide variant.
Coding change: c.782T>C on transcript NM_018972.4 (MANE Select); coding-DNA position 782, T replaced by C.
Protein change: p.Leu261Pro; replaces leucine 261 with proline.
Molecular consequence: missense variant. On other transcripts: intron variant (1).
Genome position (GRCh38, 1-based): chr8:74,364,072, T>C. VCF-style: chr8-74364072-T-C. GRCh37 (hg19) VCF-style: chr8-75276307-T-C.
Other names: c.578T>C, p.Leu193Pro (NM_001040875.4); c.455T>C, p.Leu152Pro (NM_001362929.2, NM_001362932.2); c.608T>C, p.Leu203Pro (NM_001362930.2); c.694+1019T>C (NM_001362931.2); c.782T>C (NM_018972.2); short protein forms L261P, L152P, L203P, L193P.
Identifiers: ClinVar variation 624334 (VCV000624334.47), dbSNP rs745398081, ClinGen allele CA4785200.
Genomic context (GRCh38, chr8:74,364,072, plus strand): 5'-GTGAATCCTTCACCCTGGCAGACGTCTCACTCGCTGTCACATTGCATCGACTGAAGTTCC[T>C]GGGGTTTGCAAGGAGAAACTGGGGAAACGGAAAGCGACCAAACTTGGAAACCTATTACGA-3'
Protein context (NP_061845.2, residues 251-271): LAVTLHRLKF[Leu261Pro]GFARRNWGNG